The following is an entry in ClinVar:

ClinVar aggregate classification (germline): Uncertain significance. Review status: criteria provided, multiple submitters, no conflicts (2 of 4 stars). 2 submissions from 2 submitters: Uncertain significance (2). Last evaluated 2024-06-24.

Conditions:
Birt-Hogg-Dube syndrome. Also called: Birt Hogg Dubé syndrome. Identifiers: Orphanet 122, MedGen C0346010, MONDO:0800444.
Hereditary cancer-predisposing syndrome. Also called: Hereditary neoplastic syndrome; Hereditary Cancer Syndrome; Neoplastic Syndromes, Hereditary; Tumor predisposition. Identifiers: Orphanet 140162, MedGen C0027672, MeSH D009386, MONDO:0015356.

Allele frequency attached by ClinVar (database versions not stated): TOPMed below 0.00001; gnomAD 0.00001.
gnomAD v4.1: 1 of 1,613,682 alleles (0.000062%); highest among the groups gnomAD compares: Non-Finnish European, 0.000085%; no homozygotes.

Submissions (2):

Ambry Genetics
Classification: Uncertain significance for Hereditary cancer-predisposing syndrome. Last evaluated: 2024-06-24. Review status: criteria provided, single submitter. Criteria: Ambry Variant Classification Scheme 2023. Collection method: clinical testing. Allele origin: germline.
Comment: The p.S406T variant (also known as c.1217G>C), located in coding exon 8 of the FLCN gene, results from a G to C substitution at nucleotide position 1217. The serine at codon 406 is replaced by threonine, an amino acid with similar properties. This amino acid position is conserved. In addition, the in silico prediction for this alteration is inconclusive. Since supporting evidence is limited at this time, the clinical significance of this alteration remains unclear.

Labcorp Genetics (formerly Invitae), Labcorp
Classification: Uncertain significance for Birt-Hogg-Dube syndrome. Last evaluated: 2021-07-28. Review status: criteria provided, single submitter. Criteria: Invitae Variant Classification Sherloc (09022015). Collection method: clinical testing. Allele origin: germline.
Comment: In summary, the available evidence is currently insufficient to determine the role of this variant in disease. Therefore, it has been classified as a Variant of Uncertain Significance. Algorithms developed to predict the effect of missense changes on protein structure and function (SIFT, PolyPhen-2, Align-GVGD) all suggest that this variant is likely to be tolerated. This variant has not been reported in the literature in individuals affected with FLCN-related conditions. This variant is not present in population databases (ExAC no frequency). This sequence change replaces serine with threonine at codon 406 of the FLCN protein (p.Ser406Thr). The serine residue is highly conserved and there is a small physicochemical difference between serine and threonine.

NM_144997.7(FLCN):c.1217G>C (p.Ser406Thr)

Gene: FLCN (folliculin; minus strand). Cytogenetic location: 17p11.2.
Variant type: single nucleotide variant.
Coding change: c.1217G>C on transcript NM_144997.7 (MANE Select); coding-DNA position 1217, G replaced by C.
Protein change: p.Ser406Thr; replaces serine 406 with threonine.
Molecular consequence: missense variant.
Genome position (GRCh38, 1-based): chr17:17,216,463, C>G on the plus strand (G>C on the coding strand, the complement: FLCN is on the minus strand). VCF-style: chr17-17216463-C-G. GRCh37 (hg19) VCF-style: chr17-17119777-C-G.
Other names: c.1271G>C, p.Ser424Thr (NM_001353229.2); c.1217G>C, p.Ser406Thr (NM_001353230.2, NM_001353231.2); short protein forms S406T, S424T.
Identifiers: ClinVar variation 1367921 (VCV001367921.9), dbSNP rs2046926469, ClinGen allele CA398531883.
Genomic context (GRCh38, chr17:17,216,463, plus strand): 5'-ATCTGCACGTGCGGGCTGAGCCCCAGGAAGTTGCACCGATAGGCCTCCTCGTACTGGCTG[C>G]TGTATGGGATGATGCGGACGCAGCCCACGGGAAGCATGGTCTGAGGAGGACAGCAGGACT-3'
Protein context (NP_659434.2, residues 396-416): PVGCVRIIPY[Ser406Thr]SQYEEAYRCN